The following is an entry in ClinVar:

ClinVar aggregate classification (germline): Uncertain significance. Review status: criteria provided, multiple submitters, no conflicts (2 of 4 stars). 2 submissions from 2 submitters: Uncertain significance (2). Last evaluated 2024-06-29.

Conditions:
Hereditary cancer-predisposing syndrome. Also called: Hereditary Cancer Syndrome; Hereditary neoplastic syndrome; Neoplastic Syndromes, Hereditary; Tumor predisposition. Identifiers: Orphanet 140162, MedGen C0027672, MeSH D009386, MONDO:0015356.
Aplastic anemia. Identifiers: Orphanet 182040, Orphanet 88, MedGen C0002874, MONDO:0015909, OMIM 609135, HP:0001915.
Acute lymphoid leukemia (ALL). Also called: Lymphoblastic leukemia; Acute lymphoblastic leukemia; Acute lymphocytic leukemia; Leukemia, acute lymphoblastic, somatic. Identifiers: Orphanet 513, MedGen C0023449, MONDO:0004967, OMIM 613065, HP:0006721.
Microcephaly, normal intelligence and immunodeficiency (NBS). Also called: Nijmegen breakage syndrome; Microcephaly with normal intelligence immunodeficiency and lymphoreticular malignancies; Nonsyndromal microcephaly autosomal recessive with normal intelligence; Seemanova syndrome 2; IMMUNODEFICIENCY, MICROCEPHALY, AND CHROMOSOMAL INSTABILITY; SEEMANOVA SYNDROME II. Identifiers: Orphanet 647, MedGen C0398791, MONDO:0009623, OMIM 251260.

Submissions (2):

Ambry Genetics
Classification: Uncertain significance for Hereditary cancer-predisposing syndrome. Last evaluated: 2024-06-29. Review status: criteria provided, single submitter. Criteria: Ambry Variant Classification Scheme 2023. Collection method: clinical testing. Allele origin: germline.
Comment: The p.K233Q variant (also known as c.697A>C), located in coding exon 6 of the NBN gene, results from an A to C substitution at nucleotide position 697. The lysine at codon 233 is replaced by glutamine, an amino acid with similar properties. This amino acid position is conserved. In addition, the in silico prediction for this alteration is inconclusive. Based on the available evidence, the clinical significance of this variant remains unclear.

Fulgent Genetics
Classification: Uncertain significance for Microcephaly, normal intelligence and immunodeficiency; Aplastic anemia; Acute lymphoid leukemia. Last evaluated: 2022-05-14. Review status: criteria provided, single submitter. Criteria: ACMG Guidelines, 2015. Collection method: clinical testing. Allele origin: unknown.

NM_002485.5(NBN):c.697A>C (p.Lys233Gln)

Gene: NBN (nibrin; minus strand). Cytogenetic location: 8q21.3.
Variant type: single nucleotide variant.
Coding change: c.697A>C on transcript NM_002485.5 (MANE Select); coding-DNA position 697, A replaced by C.
Protein change: p.Lys233Gln; replaces lysine 233 with glutamine.
Molecular consequence: missense variant.
Genome position (GRCh38, 1-based): chr8:89,971,178, T>G on the plus strand (A>C on the coding strand, the complement: NBN is on the minus strand). VCF-style: chr8-89971178-T-G. GRCh37 (hg19) VCF-style: chr8-90983406-T-G.
Other names: c.451A>C, p.Lys151Gln (NM_001024688.3); short protein forms K151Q, K233Q.
Identifiers: ClinVar variation 1332648 (VCV001332648.4), dbSNP rs1554564205, ClinGen allele CA371658930.